The following is an entry in ClinVar:

ClinVar aggregate classification (germline): Uncertain significance (1 of 4 stars; one submission).

Allele frequency attached by ClinVar (database versions not stated): gnomAD 0.00001; gnomAD exomes 0.00001; TOPMed 0.00001.
gnomAD v4.1: 12 of 1,611,716 alleles (0.00074%); highest among the groups gnomAD compares: African/African-American, 0.0027%; no homozygotes.

Submission:

Labcorp Genetics (formerly Invitae), Labcorp
Classification: Uncertain significance. Last evaluated: 2024-11-05. Review status: criteria provided, single submitter. Criteria: Invitae Variant Classification Sherloc (09022015). Collection method: clinical testing. Allele origin: germline.
Comment: This sequence change replaces serine, which is neutral and polar, with leucine, which is neutral and non-polar, at codon 101 of the CIB2 protein (p.Ser101Leu). This variant is present in population databases (no rsID available, gnomAD 0.007%). This variant has not been reported in the literature in individuals affected with CIB2-related conditions. ClinVar contains an entry for this variant (Variation ID: 1015598). An algorithm developed to predict the effect of missense changes on protein structure and function (PolyPhen-2) suggests that this variant¬†is likely to be tolerated. In summary, the available evidence is currently insufficient to determine the role of this variant in disease. Therefore, it has been classified as a Variant of Uncertain Significance.

NM_006383.4(CIB2):c.302C>T (p.Ser101Leu)

Gene: CIB2 (calcium and integrin binding family member 2; minus strand). Cytogenetic location: 15q25.1.
Variant type: single nucleotide variant.
Coding change: c.302C>T on transcript NM_006383.4 (MANE Select); coding-DNA position 302, C replaced by T.
Protein change: p.Ser101Leu; replaces serine 101 with leucine.
Molecular consequence: missense variant. On other transcripts: non-coding transcript variant (1).
Genome position (GRCh38, 1-based): chr15:78,109,279, G>A on the plus strand (C>T on the coding strand, the complement: CIB2 is on the minus strand). VCF-style: chr15-78109279-G-A. GRCh37 (hg19) VCF-style: chr15-78401621-G-A.
Other names: c.173C>T, p.Ser58Leu (NM_001271888.2); c.155C>T, p.Ser52Leu (NM_001271889.2); c.317C>T, p.Ser106Leu (NM_001301224.2); short protein forms S101L, S106L, S52L, S58L.
Identifiers: ClinVar variation 1015598 (VCV001015598.7), dbSNP rs1389425178, ClinGen allele CA393546834.
Genomic context (GRCh38, chr15:78,109,279, plus strand): 5'-CTCTAGCCCTGGTTACCATAGATCTTGAAGGCATAGTTTGCCTTGAGCTCTCGGGGAGCC[G>A]ACTCGCAGAGCACGGAAAACATGTCCACAAAGTCGTTGAAAGTGAGGTTCCCCTCACCAT-3'
Protein context (NP_006374.1, residues 91-111): FVDMFSVLCE[Ser101Leu]APRELKANYA